The following is an entry in ClinVar:

NM_020066.5(FMN2):c.2817A>G (p.Gly939=)

Gene: FMN2 (formin 2; plus strand). Cytogenetic location: 1q43.
Variant type: single nucleotide variant.
Coding change: c.2817A>G on transcript NM_020066.5 (MANE Select); coding-DNA position 2817, A replaced by G.
Protein change: p.Gly939=; no amino-acid change (glycine 939 retained).
Molecular consequence: synonymous variant. On other transcripts: intron variant (1).
Genome position (GRCh38, 1-based): chr1:240,207,629, A>G. VCF-style: chr1-240207629-A-G. GRCh37 (hg19) VCF-style: chr1-240370929-A-G.
Other names: c.2829A>G, p.Gly943= (NM_001305424.2); c.1986+19367A>G (NM_001348094.2).
Identifiers: ClinVar variation 3388917 (VCV003388917.14).
Genomic context (GRCh38, chr1:240,207,629, plus strand): 5'-CATACCTCCTCCGCCGCCTCTACCCGGAGCAGGCATACTCCCTCTGCCCCCTCTACCCGG[A>G]GCGGGAATACCTCCTCCGCCCCCTCTACCCGGAGCGGCAATACCCCCTCCGCCCCCTCTT-3'
Protein context (NP_064450.3, residues 929-949): AGILPLPPLP[Gly939=]AGIPPPPPLP

ClinVar aggregate classification (germline): Likely benign (1 of 4 stars; one submission).

Submission:

CeGaT Center for Human Genetics Tuebingen
Classification: Likely benign. Last evaluated: 2024-12-01. Review status: criteria provided, single submitter. Criteria: CeGaT Center For Human Genetics Tuebingen Variant Classification Criteria Version 2. Collection method: clinical testing. Allele origin: germline. Affected: yes. Observed: 1 variant allele.
Comment: FMN2: BP4, BP7